The following is an entry in ClinVar:

ClinVar aggregate classification (germline): Pathogenic/Likely pathogenic. Review status: criteria provided, multiple submitters, no conflicts (2 of 4 stars). 2 submissions from 2 submitters: Pathogenic (1); Likely pathogenic (1). Last evaluated 2024-06-12.

Conditions:
Cardioencephalomyopathy, fatal infantile, due to cytochrome c oxidase deficiency 2 (MC4DN6). Also called: MITOCHONDRIAL COMPLEX IV DEFICIENCY, NUCLEAR TYPE 6. Identifiers: Orphanet 1561, MedGen C3554534, MONDO:0014051, OMIM 615119.
Leigh syndrome (NULS). Also called: Leigh Disease; LEIGH SYNDROME, NUCLEAR; Subacute necrotizing encephalopathy; Necrotizing encephalopathy infantile subacute of Leigh; Leigh's necrotizing encephalopathy; Leigh's disease. Identifiers: Orphanet 506, MedGen C2931891, MONDO:0009723, OMIM 256000.

Submissions (2):

Women's Health and Genetics/Laboratory Corporation of America, LabCorp
Classification: Pathogenic for Leigh syndrome. Last evaluated: 2024-06-12. Review status: criteria provided, single submitter. Criteria: LabCorp Variant Classification Summary - May 2015. Collection method: clinical testing. Allele origin: germline.
Comment: Variant summary: COX15 c.597G>A (p.Trp199X) results in a premature termination codon, predicted to cause a truncation of the encoded protein or absence of the protein due to nonsense mediated decay, which are commonly known mechanisms for disease. The variant was absent in 251488 control chromosomes (gnomAD). To our knowledge, no occurrence of c.597G>A in individuals affected with Leigh Syndrome and no experimental evidence demonstrating its impact on protein function have been reported. No submitters have cited clinical-significance assessments for this variant to ClinVar. Based on the evidence outlined above, the variant was classified as pathogenic.

Fulgent Genetics
Classification: Likely pathogenic for Cardioencephalomyopathy, fatal infantile, due to cytochrome c oxidase deficiency 2. Last evaluated: 2024-04-20. Review status: criteria provided, single submitter. Criteria: ACMG Guidelines, 2015. Collection method: clinical testing. Allele origin: germline.

NM_078470.6(COX15):c.597G>A (p.Trp199Ter)

Gene: COX15 (cytochrome c oxidase assembly factor COX15; minus strand). Cytogenetic location: 10q24.2.
Variant type: single nucleotide variant.
Coding change: c.597G>A on transcript NM_078470.6 (MANE Select); coding-DNA position 597, G replaced by A.
Protein change: p.Trp199Ter; replaces tryptophan 199 with a stop codon.
Molecular consequence: nonsense. On other transcripts: non-coding transcript variant (1).
Genome position (GRCh38, 1-based): chr10:99,724,109, C>T on the plus strand (G>A on the coding strand, the complement: COX15 is on the minus strand). VCF-style: chr10-99724109-C-T. GRCh37 (hg19) VCF-style: chr10-101483866-C-T.
Other names: c.597G>A, p.Trp199Ter (NM_001320974.2, NM_001320975.2, NM_001372024.1 and 5 more transcripts); c.60G>A, p.Trp20Ter (NM_001320976.2); short protein forms W199*, W20*.
Identifiers: ClinVar variation 3339589 (VCV003339589.2).